The following is an entry in ClinVar:

NM_001211.6(BUB1B):c.1347G>A (p.Met449Ile)

Gene: BUB1B (BUB1 mitotic checkpoint serine/threonine kinase B; plus strand). Cytogenetic location: 15q15.1.
Variant type: single nucleotide variant.
Coding change: c.1347G>A on transcript NM_001211.6 (MANE Select); coding-DNA position 1347, G replaced by A.
Protein change: p.Met449Ile; replaces methionine 449 with isoleucine.
Molecular consequence: missense variant.
Genome position (GRCh38, 1-based): chr15:40,199,673, G>A. VCF-style: chr15-40199673-G-A. GRCh37 (hg19) VCF-style: chr15-40491874-G-A.
Other names: short protein forms M449I.
Identifiers: ClinVar variation 4216979 (VCV004216979.1).

ClinVar aggregate classification (germline): Uncertain significance (1 of 4 stars; one submission).

Conditions:
Inborn genetic diseases. Identifiers: MedGen C0950123, MeSH D030342.

Submission:

Ambry Genetics
Classification: Uncertain significance for Inborn genetic diseases. Last evaluated: 2025-09-10. Review status: criteria provided, single submitter. Criteria: Ambry Variant Classification Scheme 2023. Collection method: clinical testing. Allele origin: germline.
Comment: The p.M449I variant (also known as c.1347G>A), located in coding exon 10 of the BUB1B gene, results from a G to A substitution at nucleotide position 1347. The methionine at codon 449 is replaced by isoleucine, an amino acid with highly similar properties. This amino acid position is conserved. In addition, this alteration is predicted to be tolerated by in silico analysis. Based on the available evidence, the clinical significance of this variant remains unclear.